The following is an entry in ClinVar:

ClinVar aggregate classification (germline): Uncertain significance. Review status: criteria provided, single submitter (1 of 4 stars). 2 submissions from 2 submitters: Uncertain significance (1). 1 of the submissions does not count toward it. Last evaluated 2022-02-02.

Conditions:
Meckel-Gruber syndrome. Also called: DYSENCEPHALIA SPLANCHNOCYSTICA; GRUBER SYNDROME; Dysencephalia splachnocystica. Identifiers: Orphanet 564, MedGen C0265215, MONDO:0018921.
Joubert syndrome. Also called: CEREBELLOPARENCHYMAL DISORDER IV; JOUBERT-BOLTSHAUSER SYNDROME; Familial aplasia of the vermis. Identifiers: Orphanet 475, MedGen C5979921, MONDO:0018772.

Allele frequency attached by ClinVar (database versions not stated): gnomAD exomes below 0.00001 and 0.00001; TOPMed below 0.00001; ExAC 0.00001; gnomAD 0.00001 and 0.00002.

Submissions (2):

Labcorp Genetics (formerly Invitae), Labcorp
Classification: Uncertain significance for Joubert syndrome; Meckel-Gruber syndrome. Last evaluated: 2022-02-02. Review status: criteria provided, single submitter. Criteria: Invitae Variant Classification Sherloc (09022015). Collection method: clinical testing. Allele origin: germline.
Comment: This sequence change replaces isoleucine, which is neutral and non-polar, with valine, which is neutral and non-polar, at codon 877 of the RPGRIP1L protein (p.Ile877Val). This variant is present in population databases (rs779895977, gnomAD 0.0009%). This variant has not been reported in the literature in individuals affected with RPGRIP1L-related conditions. Algorithms developed to predict the effect of missense changes on protein structure and function (SIFT, PolyPhen-2, Align-GVGD) all suggest that this variant is likely to be tolerated. Algorithms developed to predict the effect of sequence changes on RNA splicing suggest that this variant may create or strengthen a splice site. In summary, the available evidence is currently insufficient to determine the role of this variant in disease. Therefore, it has been classified as a Variant of Uncertain Significance.

Natera, Inc.
Classification: Uncertain significance for Joubert syndrome. Last evaluated: 2025-03-31. Review status: no assertion criteria provided. Collection method: clinical testing. Allele origin: germline. Not counted in ClinVar's aggregate classification.

NM_015272.5(RPGRIP1L):c.2629A>G (p.Ile877Val)

Gene: RPGRIP1L (RPGRIP1 like; minus strand). Cytogenetic location: 16q12.2.
Variant type: single nucleotide variant.
Coding change: c.2629A>G on transcript NM_015272.5 (MANE Select); coding-DNA position 2629, A replaced by G.
Protein change: p.Ile877Val; replaces isoleucine 877 with valine.
Molecular consequence: missense variant.
Genome position (GRCh38, 1-based): chr16:53,645,679, T>C on the plus strand (A>G on the coding strand, the complement: RPGRIP1L is on the minus strand). VCF-style: chr16-53645679-T-C. GRCh37 (hg19) VCF-style: chr16-53679591-T-C.
Other names: c.2629A>G (NM_015272.4); c.2629A>G, p.Ile877Val (NM_001127897.4, NM_001308334.3, NM_001330538.2); short protein forms I877V.
Identifiers: ClinVar variation 1472685 (VCV001472685.6), dbSNP rs779895977, ClinGen allele CA8057513.
Genomic context (GRCh38, chr16:53,645,679, plus strand): 5'-GCTTACCTGAGATACACCTGTCATGTGCCAACGAAATCAGAGGCACATTGACTTTTCCTA[T>C]GTAAATATTCTCCTGGGTATCACTATCATCAAAAACATAAAAACTCAGAGACTCTGACTT-3'
Protein context (NP_056087.2, residues 867-887): DDSDTQENIY[Ile877Val]GKVNVPLISL